The following is an entry in ClinVar:

ClinVar aggregate classification (germline): Conflicting classifications of pathogenicity. Review status: criteria provided, conflicting classifications (1 of 4 stars). 2 submissions from 2 submitters: Uncertain significance (1); Likely benign (1). Last evaluated 2025-10-13.

Conditions:
Spinocerebellar ataxia type 5 (SCA5). Identifiers: Orphanet 98766, MedGen C0752123, MONDO:0010848, OMIM 600224.

Allele frequency attached by ClinVar (database versions not stated): gnomAD 0.00001; TOPMed 0.00001; gnomAD exomes 0.00002 and 0.00003.
gnomAD v4.1: 37 of 1,600,842 alleles (0.0023%); highest among the groups gnomAD compares: Non-Finnish European, 0.0031%; no homozygotes.

Submissions (3):

Labcorp Genetics (formerly Invitae), Labcorp
Classification: Likely benign. Last evaluated: 2025-10-13. Review status: criteria provided, single submitter. Criteria: Invitae Variant Classification Sherloc (09022015). Collection method: clinical testing. Allele origin: germline.

Centre for Mendelian Genomics, University Medical Centre Ljubljana
Classification: Uncertain significance for Spinocerebellar ataxia type 5. Last evaluated: 2019-03-01. Review status: criteria provided, single submitter. Criteria: ACMG Guidelines, 2015. Collection method: clinical testing. Allele origin: unknown. Affected: yes.
Comment: This variant was classified as: Uncertain significance. The available evidence on this variant's pathogenicity is insufficient or conflicting. The following ACMG criteria were applied in classifying this variant: BP4.

Dr. Peter K. Rogan Lab, Western University
No classification provided (evidence only). Condition: Acute myeloid leukemia. Review status: no classification provided. Collection method: in vitro. Allele origin: not applicable. Functional consequence: skipped exon, retained intron. Not counted in ClinVar's aggregate classification.

NM_006946.4(SPTBN2):c.4986-5T>G

Gene: SPTBN2 (spectrin beta, non-erythrocytic 2; minus strand). Cytogenetic location: 11q13.2.
Variant type: single nucleotide variant.
Coding change: c.4986-5T>G on transcript NM_006946.4 (MANE Select); 5 bases into the intron before coding-DNA position 4986, T replaced by G.
Molecular consequence: intron variant.
Genome position (GRCh38, 1-based): chr11:66,692,745, A>C on the plus strand (T>G on the coding strand, the complement: SPTBN2 is on the minus strand). VCF-style: chr11-66692745-A-C. GRCh37 (hg19) VCF-style: chr11-66460216-A-C.
Identifiers: ClinVar variation 930717 (VCV000930717.7), dbSNP rs1371679359, ClinGen allele CA600233819.